The following is an entry in ClinVar:

NM_001098511.3(KIF2A):c.160-59G>A

Gene: KIF2A (kinesin family member 2A; plus strand). Cytogenetic location: 5q12.1.
Variant type: single nucleotide variant.
Coding change: c.160-59G>A on transcript NM_001098511.3 (MANE Select); 59 bases into the intron before coding-DNA position 160, G replaced by A.
Molecular consequence: intron variant.
Genome position (GRCh38, 1-based): chr5:62,347,989, G>A. VCF-style: chr5-62347989-G-A. GRCh37 (hg19) VCF-style: chr5-61643816-G-A.
Other names: c.79-59G>A (NM_001243952.2); c.160-59G>A (NM_004520.5, NM_001243953.2).
Identifiers: ClinVar variation 682855 (VCV000682855.2), dbSNP rs3776615, ClinGen allele CA12155875.

ClinVar aggregate classification (germline): Benign. Review status: criteria provided, multiple submitters, no conflicts (2 of 4 stars). 2 submissions from 2 submitters: Benign (2). Last evaluated 2018-06-14.

Allele frequency attached by ClinVar (database versions not stated): gnomAD exomes 0.42374; gnomAD 0.48862 and 0.49343; TOPMed 0.49972; 1000 Genomes Project 0.52097; 1000 Genomes Project 30x 0.52108.
gnomAD v4.1: 667,442 of 1,550,174 alleles (43%); highest among the groups gnomAD compares: African/African-American, 65%; 147,794 homozygotes.

Submissions (2):

GeneDx
Classification: Benign. Last evaluated: 2018-06-14. Review status: criteria provided, single submitter. Criteria: GeneDx Variant Classification (06012015). Collection method: clinical testing. Allele origin: germline. Affected: yes.
Comment: This variant is considered likely benign or benign based on one or more of the following criteria: it is a conservative change, it occurs at a poorly conserved position in the protein, it is predicted to be benign by multiple in silico algorithms, and/or has population frequency not consistent with disease.

Breakthrough Genomics
Classification: Benign. Review status: criteria provided, single submitter. Criteria: ACMG Guidelines, 2015. Collection method: not provided. Allele origin: germline. Inheritance: Autosomal dominant inheritance. Affected: yes.